The following is an entry in ClinVar:

ClinVar aggregate classification (germline): Pathogenic (1 of 4 stars; one submission).

Conditions:
DYRK1A-related intellectual disability syndrome (MRD7). Also called: DYRK1A Syndrome; Intellectual developmental disorder, autosomal dominant 7. Identifiers: Orphanet 464306, MedGen C5568143, MONDO:0013578, OMIM 614104.

Submission:

Labcorp Genetics (formerly Invitae), Labcorp
Classification: Pathogenic for DYRK1A-related intellectual disability syndrome. Last evaluated: 2022-03-26. Review status: criteria provided, single submitter. Criteria: Invitae Variant Classification Sherloc (09022015). Collection method: clinical testing. Allele origin: germline.
Comment: For these reasons, this variant has been classified as Pathogenic. This variant has not been reported in the literature in individuals affected with DYRK1A-related conditions. This variant is not present in population databases (gnomAD no frequency). This sequence change creates a premature translational stop signal (p.Lys407Leufs*45) in the DYRK1A gene. It is expected to result in an absent or disrupted protein product. Loss-of-function variants in DYRK1A are known to be pathogenic (PMID: 25944381).

Literature cited by the submitters: PubMed 25944381.

NM_001347721.2(DYRK1A):c.1191_1192insTT (p.Lys398fs)

Gene: DYRK1A (dual specificity tyrosine phosphorylation regulated kinase 1A; plus strand). Cytogenetic location: 21q22.13.
Variant type: Insertion.
Coding change: c.1191_1192insTT on transcript NM_001347721.2 (MANE Select); coding-DNA positions 1191 to 1192, TT inserted.
Protein change: p.Lys398fs; shifts the reading frame from lysine 398.
Molecular consequence: frameshift variant.
Genome position: GRCh38 VCF-style: chr21-37496237-G-GTT. GRCh37 (hg19) VCF-style: chr21-38868539-G-GTT.
Other names: c.1191_1192insTT, p.Lys398fs (NM_001347722.2, NM_130436.2); c.1104_1105insTT, p.Lys369fs (NM_001347723.2); c.1218_1219insTT, p.Lys407fs (NM_001396.5, NM_101395.2, NM_130438.2); short protein forms K407fs, K398fs, K369fs.
Identifiers: ClinVar variation 2117590 (VCV002117590.4), dbSNP rs2518048441, ClinGen allele CA2580098697.